The following is an entry in ClinVar:

NM_000175.5(GPI):c.300C>T (p.His100=)

Gene: GPI (glucose-6-phosphate isomerase; plus strand). Cytogenetic location: 19q13.11.
Variant type: single nucleotide variant.
Coding change: c.300C>T on transcript NM_000175.5 (MANE Select); coding-DNA position 300, C replaced by T.
Protein change: p.His100=; no amino-acid change (histidine 100 retained).
Molecular consequence: synonymous variant.
Genome position (GRCh38, 1-based): chr19:34,368,600, C>T. VCF-style: chr19-34368600-C-T. GRCh37 (hg19) VCF-style: chr19-34859505-C-T.
Other names: c.417C>T, p.His139= (NM_001184722.1, NM_001289789.1); c.300C>T, p.His100= (NM_001289790.3, NM_001329909.1, NM_001329910.1 and 1 more transcripts).
Identifiers: ClinVar variation 3047778 (VCV003047778.5), dbSNP rs373589993, ClinGen allele CA9366998.
Genomic context (GRCh38, chr19:34,368,600, plus strand): 5'-GGGTTGGGGGGGGCAGTCTTTATATCCTGACCGTAATCCCCAGGGTCGAGCCGTGCTGCA[C>T]GTGGCTCTGCGGAACCGGTCAAACACACCCATCCTGGTAGACGGCAAGGATGTGATGCCA-3'
Protein context (NP_000166.2, residues 90-110): INYTEGRAVL[His100=]VALRNRSNTP

ClinVar aggregate classification (germline): Likely benign. Review status: criteria provided, multiple submitters, no conflicts (2 of 4 stars). 3 submissions from 3 submitters: Likely benign (2). 1 of the submissions does not count toward it. Last evaluated 2026-06-01.

Conditions:
GPI-related disorder. Also called: GPI-related condition.

Allele frequency attached by ClinVar (database versions not stated): gnomAD 0.00001; TOPMed 0.00002; gnomAD exomes 0.00004; ExAC 0.00007; ESP Exome Variant Server 0.00008.
gnomAD v4.1: 63 of 1,614,002 alleles (0.0039%); highest among the groups gnomAD compares: Middle Eastern, 0.016%; no homozygotes.

Submissions (3):

CeGaT Center for Human Genetics Tuebingen
Classification: Likely benign. Last evaluated: 2026-06-01. Review status: criteria provided, single submitter. Criteria: CeGaT Center For Human Genetics Tuebingen Variant Classification Criteria Version 2. Collection method: clinical testing. Allele origin: germline. Affected: yes. Observed: 1 variant allele.
Comment: GPI: BP4, BP7

Labcorp Genetics (formerly Invitae), Labcorp
Classification: Likely benign. Last evaluated: 2025-04-08. Review status: criteria provided, single submitter. Criteria: Invitae Variant Classification Sherloc (09022015). Collection method: clinical testing. Allele origin: germline.

PreventionGenetics, part of Exact Sciences
Classification: Likely benign for GPI-related condition. Last evaluated: 2019-03-22. Review status: no assertion criteria provided. Collection method: clinical testing. Allele origin: germline. Not counted in ClinVar's aggregate classification.
Comment: This variant is classified as likely benign based on ACMG/AMP sequence variant interpretation guidelines (Richards et al. 2015 PMID: 25741868, with internal and published modifications).